The following is an entry in ClinVar:

ClinVar aggregate classification (germline): Benign/Likely benign. Review status: criteria provided, multiple submitters, no conflicts (2 of 4 stars). 8 submissions from 8 submitters: Benign (3); Likely benign (4). 1 of the submissions does not count toward it. Last evaluated 2026-04-10.

Conditions:
Polycystic kidney disease. Also called: Kidney, Polycystic; Polycystic kidney dysplasia. Identifiers: MedGen C0022680, MeSH D007690, MONDO:0020642, HP:0000113.

Allele frequency attached by ClinVar (database versions not stated): gnomAD exomes 0.00025 and 0.00056; ESP Exome Variant Server 0.00032; TOPMed 0.00037; gnomAD 0.00039; ExAC 0.00055.
gnomAD v4.1: 442 of 1,586,504 alleles (0.028%); highest among the groups gnomAD compares: Admixed American, 0.018%; 2 homozygotes.

Submissions (8):

Women's Health and Genetics/Laboratory Corporation of America, LabCorp
Classification: Likely benign. Last evaluated: 2026-04-10. Review status: criteria provided, single submitter. Criteria: LabCorp Variant Classification Summary - May 2015. Collection method: clinical testing. Allele origin: germline.

Blueprint Genetics
Classification: Likely benign. Last evaluated: 2024-11-11. Review status: criteria provided, single submitter. Criteria: ACMG Guidelines, 2015. Collection method: clinical testing. Allele origin: germline.

CeGaT Center for Human Genetics Tuebingen
Classification: Likely benign. Last evaluated: 2023-01-01. Review status: criteria provided, single submitter. Criteria: CeGaT Center For Human Genetics Tuebingen Variant Classification Criteria Version 2. Collection method: clinical testing. Allele origin: germline. Affected: yes. Observed: 2 variant alleles.
Comment: PKD1: BP4, BP7

Athena Diagnostics
Classification: Benign. Last evaluated: 2021-05-05. Review status: criteria provided, single submitter. Criteria: Athena Diagnostics criteria. Collection method: clinical testing. Allele origin: unknown.

GeneDx
Classification: Likely benign. Last evaluated: 2021-02-22. Review status: criteria provided, single submitter. Criteria: GeneDx Variant Classification Process June 2021. Collection method: clinical testing. Allele origin: germline. Affected: yes.
Comment: This variant is associated with the following publications: (PMID: 17574468)

ARUP Laboratories, Molecular Genetics and Genomics, ARUP Laboratories
Classification: Benign. Last evaluated: 2017-05-08. Review status: criteria provided, single submitter. Criteria: ARUP Molecular Germline Variant Investigation Process. Collection method: clinical testing. Allele origin: germline.

PreventionGenetics, part of Exact Sciences
Classification: Benign. Review status: criteria provided, single submitter. Criteria: ACMG Guidelines, 2015. Collection method: clinical testing. Allele origin: germline.

Department of Pathology and Laboratory Medicine, Sinai Health System
Classification: Benign for Polycystic Kidney disease. Review status: no assertion criteria provided. Collection method: clinical testing. Allele origin: unknown. Affected: yes. Study: The Canadian Open Genetics Repository (COGR). Not counted in ClinVar's aggregate classification.
Comment: The PKD1 p.Ala2202Ala variant was not identified in the literature nor was it identified in the GeneInsight-COGR, LOVD 3.0, PKD1-LOVD, databases. The variant was also identified in dbSNP (ID: rs367600795) as â€šÃ„Ãºwith benign alleleâ€šÃ„Ã¹, in ClinVar as benign by Prevention Genetics; in the ADPKD Mutation Database 2X as likely neutral. The variant was identified in the NHLBI GO Exome Sequencing Project in 4 of 8290 European American alleles and in the control databases in 115 of 231474 chromosomes at a frequency of 0.0005 increasing the likelihood this could be a low frequency benign variant (Genome Aggregation Consortium Feb 27, 2017). Furthermore, the variant was identified in the Ashkenazi Jewish population at a frequency greater than 1%: in 95 of 9208 chromosomes (freq: 0.01). However, we cannot be certain that data from control databases is specific to PKD1 and not from one of the six PKD1 pseudogenes. The p.Ala2202Ala variant is not expected to have clinical significance because it does not result in a change of amino acid and is not located in a known consensus splice site. In addition, in silico or computational prediction software programs (SpliceSiteFinder, MaxEntScan, NNSPLICE, GeneSplicer, HumanSpliceFinder) do not predict a difference in splicing. In summary, based on the above information this variant meets our laboratory criteria to be classified as benign. References (PMIDs): N/A

NM_001009944.3(PKD1):c.6606G>A (p.Ala2202=)

Gene: PKD1 (polycystin 1, transient receptor potential channel interacting; minus strand). Cytogenetic location: 16p13.3.
Variant type: single nucleotide variant.
Coding change: c.6606G>A on transcript NM_001009944.3 (MANE Select); coding-DNA position 6606, G replaced by A.
Protein change: p.Ala2202=; no amino-acid change (alanine 2202 retained).
Molecular consequence: synonymous variant.
Genome position (GRCh38, 1-based): chr16:2,108,561, C>T on the plus strand (G>A on the coding strand, the complement: PKD1 is on the minus strand). VCF-style: chr16-2108561-C-T. GRCh37 (hg19) VCF-style: chr16-2158562-C-T.
Other names: c.6606G>A, p.Ala2202= (NM_000296.4).
Identifiers: ClinVar variation 256991 (VCV000256991.38), dbSNP rs367600795, ClinGen allele CA7831542.